The following is an entry in ClinVar:

NM_015275.3(WASHC4):c.641A>G (p.Lys214Arg)

Gene: WASHC4 (WASH complex subunit 4; plus strand). Cytogenetic location: 12q23.3.
Variant type: single nucleotide variant.
Coding change: c.641A>G on transcript NM_015275.3 (MANE Select); coding-DNA position 641, A replaced by G.
Protein change: p.Lys214Arg; replaces lysine 214 with arginine.
Molecular consequence: missense variant.
Genome position (GRCh38, 1-based): chr12:105,121,180, A>G. VCF-style: chr12-105121180-A-G. GRCh37 (hg19) VCF-style: chr12-105514958-A-G.
Other names: c.641A>G, p.Lys214Arg (NM_001293640.2); short protein forms K214R.
Identifiers: ClinVar variation 1032675 (VCV001032675.4), dbSNP rs369855750, ClinGen allele CA6758388.
Genomic context (GRCh38, chr12:105,121,180, plus strand): 5'-GAGAACTGCTAACAGTTTTGCTCACCCTGGATGAAATTATTGATAATCATATCACACTGA[A>G]AGACCACTGGACTATGTACAAAAGGTACACCAATTAAAATATTTTAAAATGTTTCTTACT-3'
Protein context (NP_056090.1, residues 204-224): DEIIDNHITL[Lys214Arg]DHWTMYKRLL

ClinVar aggregate classification (germline): Uncertain significance. Review status: criteria provided, multiple submitters, no conflicts (2 of 4 stars). 3 submissions from 3 submitters: Uncertain significance (3). Last evaluated 2025-02-01.

Conditions:
Intellectual developmental disorder, autosomal recessive 43. Also called: Intellectual disability, autosomal recessive 43. Identifiers: Orphanet 88616, MedGen C4014386, MONDO:0014354, OMIM 615817.

Allele frequency attached by ClinVar (database versions not stated): gnomAD 0.00008 and 0.00009; TOPMed 0.00010; gnomAD exomes 0.00014 and 0.00012; ESP Exome Variant Server 0.00025; ExAC 0.00012.
gnomAD v4.1: 219 of 1,599,330 alleles (0.014%); highest among the groups gnomAD compares: Admixed American, 0.022%; no homozygotes.

Submissions (3):

Ambry Genetics
Classification: Uncertain significance. Last evaluated: 2025-02-01. Review status: criteria provided, single submitter. Criteria: Ambry Variant Classification Scheme 2023. Collection method: clinical testing. Allele origin: germline.

Blueprint Genetics
Classification: Uncertain significance. Last evaluated: 2024-10-11. Review status: criteria provided, single submitter. Criteria: ACMG Guidelines, 2015. Collection method: clinical testing. Allele origin: germline.

Baylor Genetics
Classification: Uncertain significance for Intellectual developmental disorder, autosomal recessive 43. Last evaluated: 2018-02-13. Review status: criteria provided, single submitter. Criteria: ACMG Guidelines, 2015. Collection method: clinical testing. Allele origin: paternal. Affected: yes.
Comment: This variant was determined to be of uncertain significance according to ACMG Guidelines, 2015 [PMID:25741868].